The following is an entry in ClinVar:

ClinVar aggregate classification (germline): Uncertain significance. Review status: criteria provided, multiple submitters, no conflicts (2 of 4 stars). 2 submissions from 2 submitters: Uncertain significance (2). Last evaluated 2024-04-09.

Conditions:
Aortic aneurysm, familial thoracic 7 (AAT7). Also called: AORTIC DISSECTION, FAMILIAL, WITH OR WITHOUT AORTIC ANEURYSM. Identifiers: MedGen C3151077, MONDO:0013418, OMIM 613780.
Familial thoracic aortic aneurysm and aortic dissection (TAAD). Also called: Thoracic aortic aneurysms and dissections. Identifiers: Orphanet 91387, MedGen C4707243, MONDO:0019625.

Allele frequency attached by ClinVar (database versions not stated): gnomAD exomes below 0.00001.
gnomAD v4.1: 1 of 1,614,186 alleles (0.000062%); highest among the groups gnomAD compares: Non-Finnish European, 0.000085%; no homozygotes.

Submissions (2):

Labcorp Genetics (formerly Invitae), Labcorp
Classification: Uncertain significance for Aortic aneurysm, familial thoracic 7. Last evaluated: 2024-04-09. Review status: criteria provided, single submitter. Criteria: Invitae Variant Classification Sherloc (09022015). Collection method: clinical testing. Allele origin: germline.
Comment: This sequence change replaces threonine, which is neutral and polar, with isoleucine, which is neutral and non-polar, at codon 1451 of the MYLK protein (p.Thr1451Ile). This variant is not present in population databases (gnomAD no frequency). This variant has not been reported in the literature in individuals affected with MYLK-related conditions. ClinVar contains an entry for this variant (Variation ID: 863280). Advanced modeling of protein sequence and biophysical properties (such as structural, functional, and spatial information, amino acid conservation, physicochemical variation, residue mobility, and thermodynamic stability) performed at Invitae indicates that this missense variant is not expected to disrupt MYLK protein function with a negative predictive value of 80%. In summary, the available evidence is currently insufficient to determine the role of this variant in disease. Therefore, it has been classified as a Variant of Uncertain Significance.

Ambry Genetics
Classification: Uncertain significance for Familial thoracic aortic aneurysm and aortic dissection. Last evaluated: 2019-02-23. Review status: criteria provided, single submitter. Criteria: Ambry Variant Classification Scheme 2023. Collection method: clinical testing. Allele origin: germline.
Comment: The p.T1451I variant (also known as c.4352C>T), located in coding exon 23 of the MYLK gene, results from a C to T substitution at nucleotide position 4352. The threonine at codon 1451 is replaced by isoleucine, an amino acid with similar properties. This amino acid position is well conserved in available vertebrate species. In addition, this alteration is predicted to be tolerated by in silico analysis. Since supporting evidence is limited at this time, the clinical significance of this alteration remains unclear.

NM_053025.4(MYLK):c.4352C>T (p.Thr1451Ile)

Gene: MYLK (myosin light chain kinase; minus strand). Cytogenetic location: 3q21.1.
Variant type: single nucleotide variant.
Coding change: c.4352C>T on transcript NM_053025.4 (MANE Select); coding-DNA position 4352, C replaced by T.
Protein change: p.Thr1451Ile; replaces threonine 1451 with isoleucine.
Molecular consequence: missense variant.
Genome position (GRCh38, 1-based): chr3:123,649,034, G>A on the plus strand (C>T on the coding strand, the complement: MYLK is on the minus strand). VCF-style: chr3-123649034-G-A. GRCh37 (hg19) VCF-style: chr3-123367881-G-A.
Other names: c.3824C>T, p.Thr1275Ile (NM_001321309.2); c.4145C>T, p.Thr1382Ile (NM_053026.4, NM_053028.4); c.4352C>T, p.Thr1451Ile (NM_053027.4); short protein forms T1275I, T1382I, T1451I.
Identifiers: ClinVar variation 863280 (VCV000863280.9), dbSNP rs2059118422, ClinGen allele CA354227554.